The following is an entry in ClinVar:

NM_000238.4(KCNH2):c.52A>C (p.Ile18Leu)

Gene: KCNH2 (potassium voltage-gated channel subfamily H member 2; minus strand). Cytogenetic location: 7q36.1.
Variant type: single nucleotide variant.
Coding change: c.52A>C on transcript NM_000238.4 (MANE Select); coding-DNA position 52, A replaced by C.
Protein change: p.Ile18Leu; replaces isoleucine 18 with leucine.
Molecular consequence: missense variant. On other transcripts: non-coding transcript variant (1).
Genome position (GRCh38, 1-based): chr7:150,977,862, T>G on the plus strand (A>C on the coding strand, the complement: KCNH2 is on the minus strand). VCF-style: chr7-150977862-T-G. GRCh37 (hg19) VCF-style: chr7-150674950-T-G.
Other names: c.52A>C, p.Ile18Leu (NM_172056.3); short protein forms I18L.
Identifiers: ClinVar variation 3075051 (VCV003075051.1), dbSNP rs1012070155, ClinGen allele CA369866677.
Genomic context (GRCh38, chr7:150,977,862, plus strand): 5'-GAGCCCCCTCCCCGCTCAGCCCCCTCCCCCACTCACTCTGGCCCTCAAACTTGCGGATGA[T>G]GGTGTCCAGGAAGGTGTTCTGCGGCGCGACGTGGCCCCTCCGCACCGGCATCCTGAGCCC-3'
Protein context (NP_000229.1, residues 8-28): VAPQNTFLDT[Ile18Leu]IRKFEGQSRK

ClinVar aggregate classification (germline): Uncertain significance (1 of 4 stars; one submission).

Conditions:
Long QT syndrome (LQTS). Identifiers: MedGen C0023976, MeSH D008133, MONDO:0002442. Disease mechanism: loss of function. Inheritance: Various modes of inheritance.

Submission:

All of Us Research Program, National Institutes of Health
Classification: Uncertain significance for Long QT syndrome. Last evaluated: 2023-12-18. Review status: criteria provided, single submitter. Criteria: ACMG Guidelines, 2015. Collection method: clinical testing. Allele origin: germline. Inheritance: Autosomal dominant inheritance. Observed: 1 variant allele, 1 heterozygote.
Comment: This missense variant replaces isoleucine with leucine at codon 18 of the KCNH2 protein. Computational prediction is inconclusive regarding the impact of this variant on protein structure and function (internally defined REVEL score threshold 0.5 < inconclusive < 0.7, PMID: 27666373). To our knowledge, functional studies have not been reported for this variant. This variant has not been reported in individuals affected with KCNH2-related disorders in the literature. This variant has not been identified in the general population by the Genome Aggregation Database (gnomAD). The available evidence is insufficient to determine the role of this variant in disease conclusively. Therefore, this variant is classified as a Variant of Uncertain Significance.

This study involves interpretation of variants in research participants for the purpose of population health screening. Participant phenotype was not available at the time of variant classification. Additional details can be found in publication PMID: 35346344, PMCID: PMC8962531